The following is an entry in ClinVar:

NM_002474.3(MYH11):c.1575+4A>G

Gene: MYH11 (myosin heavy chain 11; minus strand). Cytogenetic location: 16p13.11.
Variant type: single nucleotide variant.
Coding change: c.1575+4A>G on transcript NM_002474.3 (MANE Select); 4 bases into the intron after coding-DNA position 1575, A replaced by G.
Molecular consequence: intron variant.
Genome position (GRCh38, 1-based): chr16:15,757,823, T>C on the plus strand (A>G on the coding strand, the complement: MYH11 is on the minus strand). VCF-style: chr16-15757823-T-C. GRCh37 (hg19) VCF-style: chr16-15851680-T-C.
Other names: c.1575+4A>G (NM_022844.3); c.1596+4A>G (NM_001040114.2, NM_001040113.2).
Identifiers: ClinVar variation 926503 (VCV000926503.3), dbSNP rs2041769763, ClinGen allele CA1139664558.

ClinVar aggregate classification (germline): Uncertain significance (1 of 4 stars; one submission).

Conditions:
Familial thoracic aortic aneurysm and aortic dissection (TAAD). Also called: Thoracic aortic aneurysms and dissections. Identifiers: Orphanet 91387, MedGen C4707243, MONDO:0019625.

Submission:

Color Diagnostics, LLC DBA Color Health
Classification: Uncertain significance for Familial thoracic aortic aneurysm and aortic dissection. Last evaluated: 2020-03-23. Review status: criteria provided, single submitter. Criteria: ACMG Guidelines, 2015. Collection method: clinical testing. Allele origin: germline.
Comment: This variant causes an A to G nucleotide substitution at the +4 position of intron 14 of the MYH11 gene. Splice site prediction tools predict that this variant may have a significant impact on RNA splicing. To our knowledge, functional studies have not been reported for this variant. This variant has not been reported in individuals affected with cardiovascular disorders in the literature. This variant has not been identified in the general population by the Genome Aggregation Database (gnomAD). The available evidence is insufficient to determine the role of this variant in disease conclusively. Therefore, this variant is classified as a Variant of Uncertain Significance.